The following is an entry in ClinVar:

ClinVar aggregate classification (germline): Uncertain significance (1 of 4 stars; one submission).

Conditions:
Developmental and epileptic encephalopathy, 32 (DEE32). Also called: Epileptic encephalopathy, early infantile, 32. Identifiers: Orphanet 442835, MedGen C4225350, MONDO:0014607, OMIM 616366.

gnomAD v4.1: 1 of 1,614,160 alleles (0.000062%); highest among the groups gnomAD compares: Non-Finnish European, 0.000085%; no homozygotes.

Submission:

Labcorp Genetics (formerly Invitae), Labcorp
Classification: Uncertain significance for Developmental and epileptic encephalopathy, 32. Last evaluated: 2025-06-17. Review status: criteria provided, single submitter. Criteria: Invitae Variant Classification Sherloc (09022015). Collection method: clinical testing. Allele origin: germline.
Comment: This sequence change replaces methionine, which is neutral and non-polar, with valine, which is neutral and non-polar, at codon 255 of the KCNA2 protein (p.Met255Val). This variant is not present in population databases (gnomAD no frequency). This variant has not been reported in the literature in individuals affected with KCNA2-related conditions. Invitae Evidence Modeling of protein sequence and biophysical properties (such as structural, functional, and spatial information, amino acid conservation, physicochemical variation, residue mobility, and thermodynamic stability) indicates that this missense variant is expected to disrupt KCNA2 protein function with a positive predictive value of 95%. In summary, the available evidence is currently insufficient to determine the role of this variant in disease. Therefore, it has been classified as a Variant of Uncertain Significance.

NM_004974.4(KCNA2):c.763A>G (p.Met255Val)

Gene: KCNA2 (potassium voltage-gated channel subfamily A member 2; minus strand). Cytogenetic location: 1p13.3.
Variant type: single nucleotide variant.
Coding change: c.763A>G on transcript NM_004974.4 (MANE Select); coding-DNA position 763, A replaced by G.
Protein change: p.Met255Val; replaces methionine 255 with valine.
Molecular consequence: missense variant.
Genome position (GRCh38, 1-based): chr1:110,604,020, T>C on the plus strand (A>G on the coding strand, the complement: KCNA2 is on the minus strand). VCF-style: chr1-110604020-T-C. GRCh37 (hg19) VCF-style: chr1-111146642-T-C.
Other names: c.763A>G, p.Met255Val (NM_001204269.2); short protein forms M255V.
Identifiers: ClinVar variation 4726126 (VCV004726126.1).